The following is an entry in ClinVar:

ClinVar aggregate classification (germline): Pathogenic (1 of 4 stars; one submission).

Conditions:
Salla disease (SD). Also called: Less Severe FSASD (Salla Disease); Sialuria, Finnish type; N-acetylneuraminic acid (NANA) storage disease (NSD); Infantile sialic acid storage disorder (ISSD). Identifiers: Orphanet 309334, Orphanet 834, MedGen C1096903, MONDO:0011449, OMIM 604369.

Submission:

Labcorp Genetics (formerly Invitae), Labcorp
Classification: Pathogenic for Salla disease. Last evaluated: 2022-05-21. Review status: criteria provided, single submitter. Criteria: Invitae Variant Classification Sherloc (09022015). Collection method: clinical testing. Allele origin: germline.
Comment: For these reasons, this variant has been classified as Pathogenic. This variant has not been reported in the literature in individuals affected with SLC17A5-related conditions. This variant is not present in population databases (gnomAD no frequency). This sequence change creates a premature translational stop signal (p.Tyr228Leufs*15) in the SLC17A5 gene. It is expected to result in an absent or disrupted protein product. Loss-of-function variants in SLC17A5 are known to be pathogenic (PMID: 10581036, 10947946, 15172001).

Literature cited by the submitters: PubMed 10581036; PubMed 10947946; PubMed 15172001.

NM_012434.5(SLC17A5):c.683_698del (p.Tyr228fs)

Gene: SLC17A5 (solute carrier family 17 member 5; minus strand). Cytogenetic location: 6q13.
Variant type: Deletion.
Coding change: c.683_698del on transcript NM_012434.5 (MANE Select); coding-DNA positions 683 to 698, 16 bases deleted (ATGTCTTCTACTTTTT).
Protein change: p.Tyr228fs; shifts the reading frame from tyrosine 228.
Molecular consequence: frameshift variant. On other transcripts: intron variant (2).
Genome position (GRCh38, 1-based): chr6:73,636,623-73,636,638, AAAAAGTAGAAGACAT deleted on the plus strand (ATGTCTTCTACTTTTT on the coding strand, the reverse complement: SLC17A5 is on the minus strand); deleting any 16 consecutive bases within chr6:73,636,623-73,636,640 gives the same sequence; the c. name uses the placement nearest the transcript's 3' end. VCF-style (leftmost placement, unchanged base first): chr6-73636622-AAAAAAGTAGAAGACAT-A. GRCh37 (hg19) VCF-style: chr6-74346345-AAAAAAGTAGAAGACAT-A.
Other names: c.452_467del, p.Tyr151fs (NM_001382629.1); c.683_698del, p.Tyr228fs (NM_001382630.1, NM_001382633.1, NM_001382634.1); c.704_719del, p.Tyr235fs (NM_001382631.1); c.680_695del, p.Tyr227fs (NM_001382635.1); c.383-1138_383-1123del (NM_001382636.1); c.614-1138_614-1123del (NM_001382632.1); short protein forms Y227fs, Y151fs, Y228fs, Y235fs.
Identifiers: ClinVar variation 1997291 (VCV001997291.4), dbSNP rs2533494547, ClinGen allele CA2580075776.